The following is an entry in ClinVar:

NM_000216.4(ANOS1):c.470G>A (p.Cys157Tyr)

Gene: ANOS1 (anosmin 1; minus strand). Cytogenetic location: Xp22.31.
Variant type: single nucleotide variant.
Coding change: c.470G>A on transcript NM_000216.4 (MANE Select); coding-DNA position 470, G replaced by A.
Protein change: p.Cys157Tyr; replaces cysteine 157 with tyrosine.
Molecular consequence: missense variant.
Genome position (GRCh38, 1-based): chrX:8,597,105, C>T on the plus strand (G>A on the coding strand, the complement: ANOS1 is on the minus strand). VCF-style: chrX-8597105-C-T. GRCh37 (hg19) VCF-style: chrX-8565146-C-T.
Other names: short protein forms C157Y.
Identifiers: ClinVar variation 1308140 (VCV001308140.2), dbSNP rs1930750899, ClinGen allele CA412024991.

ClinVar aggregate classification (germline): Uncertain significance (1 of 4 stars; one submission).

Submission:

GeneDx
Classification: Uncertain significance. Last evaluated: 2019-08-21. Review status: criteria provided, single submitter. Criteria: GeneDx Variant Classification Process June 2021. Collection method: clinical testing. Allele origin: germline. Affected: yes.
Comment: Not observed in large population cohorts (Lek et al., 2016); In silico analysis, which includes protein predictors and evolutionary conservation, supports a deleterious effect; Has not been previously published as pathogenic or benign to our knowledge